The following is an entry in ClinVar:

NM_001042492.3(NF1):c.5671C>T (p.Gln1891Ter)

Gene: NF1 (neurofibromin 1; plus strand). Cytogenetic location: 17q11.2.
Variant type: single nucleotide variant.
Coding change: c.5671C>T on transcript NM_001042492.3 (MANE Select); coding-DNA position 5671, C replaced by T.
Protein change: p.Gln1891Ter; replaces glutamine 1891 with a stop codon.
Molecular consequence: nonsense.
Genome position (GRCh38, 1-based): chr17:31,330,357, C>T. VCF-style: chr17-31330357-C-T. GRCh37 (hg19) VCF-style: chr17-29657375-C-T.
Other names: c.5608C>T, p.Gln1870Ter (NM_000267.4); short protein forms Q1870*, Q1891*.
Identifiers: ClinVar variation 237577 (VCV000237577.7), dbSNP rs878853904, ClinGen allele CA10583514.

ClinVar aggregate classification (germline): Pathogenic. Review status: criteria provided, multiple submitters, no conflicts (2 of 4 stars). 3 submissions from 3 submitters: Pathogenic (3). Last evaluated 2022-03-22.

Conditions:
Neurofibromatosis, type 1 (NF1). Also called: VON RECKLINGHAUSEN DISEASE; NEUROFIBROMATOSIS, TYPE I, SOMATIC; Peripheral type neurofibromatosis; Neurofibromatosis, type I. Identifiers: Orphanet 636, MedGen C0027831, MONDO:0018975, OMIM 162200. Disease mechanism: loss of function.

Submissions (3):

3billion
Classification: Pathogenic for Neurofibromatosis, type 1. Last evaluated: 2022-03-22. Review status: criteria provided, single submitter. Criteria: ACMG Guidelines, 2015. Collection method: clinical testing. Allele origin: germline. Affected: yes. Observed: 1 heterozygote.
Comment: Stop-gained (nonsense): predicted to result in a loss or disruption of normal protein function through nonsense-mediated decay (NMD) or protein truncation. Multiple pathogenic variants are reported downstream of the variant.It is not observed in the gnomAD v2.1.1 dataset. This variant has been reported as pathogenic (ClinVar ID: VCV000237577, PMID:31130284). Therefore, this variant is classified as pathogenic according to the recommendation of ACMG/AMP guideline.

Genome-Nilou Lab
Classification: Pathogenic for Neurofibromatosis, type 1. Last evaluated: 2022-03-15. Review status: criteria provided, single submitter. Criteria: ACMG Guidelines, 2015. Collection method: clinical testing. Allele origin: germline. Affected: no.

Labcorp Genetics (formerly Invitae), Labcorp
Classification: Pathogenic for Neurofibromatosis, type 1. Last evaluated: 2020-03-22. Review status: criteria provided, single submitter. Criteria: Invitae Variant Classification Sherloc (09022015). Collection method: clinical testing. Allele origin: germline.
Comment: For these reasons, this variant has been classified as Pathogenic. Loss-of-function variants in NF1 are known to be pathogenic (PMID: 10712197, 23913538). This variant has been observed in individual(s) with clinical features of neurofibromatosis type 1 (PMID: 31370276). ClinVar contains an entry for this variant (Variation ID: 237577). This variant is not present in population databases (ExAC no frequency). This sequence change creates a premature translational stop signal (p.Gln1870*) in the NF1 gene. It is expected to result in an absent or disrupted protein product.

Literature cited by the submitters: PubMed 31130284 (cited by 3billion); PubMed 10712197 (cited by Labcorp Genetics (formerly Invitae), Labcorp); PubMed 23913538 (cited by Labcorp Genetics (formerly Invitae), Labcorp); PubMed 31370276 (cited by Labcorp Genetics (formerly Invitae), Labcorp).